The following is an entry in ClinVar:

NM_002691.4(POLD1):c.520C>T (p.Arg174Trp)

Gene: POLD1 (DNA polymerase delta 1, catalytic subunit; plus strand). Cytogenetic location: 19q13.33.
Variant type: single nucleotide variant.
Coding change: c.520C>T on transcript NM_002691.4 (MANE Select); coding-DNA position 520, C replaced by T.
Protein change: p.Arg174Trp; replaces arginine 174 with tryptophan.
Molecular consequence: missense variant. On other transcripts: non-coding transcript variant (1).
Genome position (GRCh38, 1-based): chr19:50,402,055, C>T. VCF-style: chr19-50402055-C-T. GRCh37 (hg19) VCF-style: chr19-50905312-C-T.
Other names: c.520C>T, p.Arg174Trp (NM_001256849.1, NM_001308632.1); c.520C>T (NM_002691.2); short protein forms R174W.
Identifiers: ClinVar variation 239351 (VCV000239351.17), dbSNP rs749334182, ClinGen allele CA9595770.

ClinVar aggregate classification (germline): Conflicting classifications of pathogenicity. Review status: criteria provided, conflicting classifications (1 of 4 stars). 5 submissions from 5 submitters: Uncertain significance (3); Likely benign (1). 1 of the submissions does not count toward it. Last evaluated 2025-12-31.

Conditions:
POLD1-related polyposis and colorectal cancer syndrome (CRCS10). Also called: COLORECTAL CANCER, SUSCEPTIBILITY TO, ON CHROMOSOME 19q; Colorectal cancer 10; Colorectal cancer, susceptibility to, 10. Identifiers: Orphanet 220460, MedGen C2675481, MONDO:0012953, OMIM 612591.
Hereditary cancer-predisposing syndrome. Also called: Hereditary Cancer Syndrome; Neoplastic Syndromes, Hereditary; Hereditary neoplastic syndrome; Tumor predisposition. Identifiers: Orphanet 140162, MedGen C0027672, MeSH D009386, MONDO:0015356.

Allele frequency attached by ClinVar (database versions not stated): ExAC 0.00002; TOPMed 0.00002; gnomAD 0.00003; gnomAD exomes 0.00005.
gnomAD v4.1: 29 of 1,613,922 alleles (0.0018%); highest among the groups gnomAD compares: Admixed American, 0.012%; no homozygotes.

Submissions (5):

Labcorp Genetics (formerly Invitae), Labcorp
Classification: Uncertain significance for POLD1-related polyposis and colorectal cancer syndrome. Last evaluated: 2025-12-31. Review status: criteria provided, single submitter. Criteria: Invitae Variant Classification Sherloc (09022015). Collection method: clinical testing. Allele origin: germline.
Comment: This sequence change replaces arginine, which is basic and polar, with tryptophan, which is neutral and slightly polar, at codon 174 of the POLD1 protein (p.Arg174Trp). This variant is present in population databases (rs749334182, gnomAD 0.02%). This missense change has been observed in individual(s) with attenuated adenomatous polyposis (PMID: 31285513). ClinVar contains an entry for this variant (Variation ID: 239351). Invitae Evidence Modeling of protein sequence and biophysical properties (such as structural, functional, and spatial information, amino acid conservation, physicochemical variation, residue mobility, and thermodynamic stability) indicates that this missense variant is not expected to disrupt POLD1 protein function with a negative predictive value of 80%. In summary, the available evidence is currently insufficient to determine the role of this variant in disease. Therefore, it has been classified as a Variant of Uncertain Significance.

Ambry Genetics
Classification: Likely benign for Hereditary cancer-predisposing syndrome. Last evaluated: 2024-08-23. Review status: criteria provided, single submitter. Criteria: Ambry Variant Classification Scheme 2023. Collection method: clinical testing. Allele origin: germline.

GeneDx
Classification: Uncertain significance. Last evaluated: 2022-06-29. Review status: criteria provided, single submitter. Criteria: GeneDx Variant Classification Process June 2021. Collection method: clinical testing. Allele origin: germline. Affected: yes.
Comment: In silico analysis supports that this missense variant has a deleterious effect on protein structure/function; Observed in individuals with attenuated polyposis (Lorca 2019); This variant is associated with the following publications: (PMID: 31285513)

Blueprint Genetics
Classification: Uncertain significance. Last evaluated: 2022-03-07. Review status: criteria provided, single submitter. Criteria: ACMG Guidelines, 2015. Collection method: clinical testing. Allele origin: germline.

Molecular Oncology Laboratory, Hospital Clínico San Carlos
Classification: Uncertain significance for POLD1-related polyposis and colorectal cancer syndrome. Last evaluated: 2018-06-01. Review status: no assertion criteria provided. Criteria: ACMG Guidelines, 2015. Collection method: clinical testing. Allele origin: germline. Inheritance: Autosomal dominant inheritance. Affected: yes. Not counted in ClinVar's aggregate classification.

Literature cited by the submitters: PubMed 31285513 (cited by Labcorp Genetics (formerly Invitae), Labcorp).